The following is an entry in ClinVar:

ClinVar aggregate classification (germline): Benign/Likely benign. Review status: criteria provided, multiple submitters, no conflicts (2 of 4 stars). 3 submissions from 3 submitters: Benign (1); Likely benign (2). Last evaluated 2025-12-01.

Conditions:
Syndromic multisystem autoimmune disease due to ITCH deficiency. Also called: AUTOIMMUNE DISEASE, MULTISYSTEM, WITH FACIAL DYSMORPHISM. Identifiers: Orphanet 228426, MedGen C3150649, MONDO:0013245, OMIM 613385.

Allele frequency attached by ClinVar (database versions not stated): TOPMed 0.00014; gnomAD exomes 0.00036 and 0.00071; gnomAD 0.00052 and 0.00056; ExAC 0.00062.
gnomAD v4.1: 600 of 1,590,736 alleles (0.038%); highest among the groups gnomAD compares: Middle Eastern, 0.033%; no homozygotes.

Submissions (3):

CeGaT Center for Human Genetics Tuebingen
Classification: Likely benign. Last evaluated: 2025-12-01. Review status: criteria provided, single submitter. Criteria: CeGaT Center For Human Genetics Tuebingen Variant Classification Criteria Version 2. Collection method: clinical testing. Allele origin: germline. Affected: yes. Observed: 1 variant allele.
Comment: ITCH: BP4, BP7

Labcorp Genetics (formerly Invitae), Labcorp
Classification: Benign for Syndromic multisystem autoimmune disease due to ITCH deficiency. Last evaluated: 2025-09-29. Review status: criteria provided, single submitter. Criteria: Invitae Variant Classification Sherloc (09022015). Collection method: clinical testing. Allele origin: germline.

Blueprint Genetics
Classification: Likely benign. Last evaluated: 2024-09-05. Review status: criteria provided, single submitter. Criteria: ACMG Guidelines, 2015. Collection method: clinical testing. Allele origin: germline.

NM_031483.7(ITCH):c.216C>T (p.Ile72=)

Gene: ITCH (itchy E3 ubiquitin protein ligase; plus strand). Cytogenetic location: 20q11.22.
Variant type: single nucleotide variant.
Coding change: c.216C>T on transcript NM_031483.7 (MANE Select); coding-DNA position 216, C replaced by T.
Protein change: p.Ile72=; no amino-acid change (isoleucine 72 retained).
Molecular consequence: synonymous variant. On other transcripts: 5 prime UTR variant (1).
Genome position (GRCh38, 1-based): chr20:34,412,518, C>T. VCF-style: chr20-34412518-C-T. GRCh37 (hg19) VCF-style: chr20-33000324-C-T.
Other names: c.216C>T, p.Ile72= (NM_001257137.3, NM_001324197.2, NM_001324198.2); c.-115C>T (NM_001257138.3).
Identifiers: ClinVar variation 743329 (VCV000743329.16), dbSNP rs753422142, ClinGen allele CA9821271.
Genomic context (GRCh38, chr20:34,412,518, plus strand): 5'-GATCTCATTGTGATATTCAATAAAAATAATATTTTTTCCCTCTTTTTTCACTTTTAGTAT[C>T]GTTACCCCTGTGAGTAAATTACATTTTCGTGTGTGGAGTCACCAGACACTGAAATCTGAT-3'
Protein context (NP_113671.3, residues 62-82): SPKWKQPLTV[Ile72=]VTPVSKLHFR